The following is an entry in ClinVar:

ClinVar aggregate classification (germline): Uncertain significance (1 of 4 stars; one submission).

Submission:

Labcorp Genetics (formerly Invitae), Labcorp
Classification: Uncertain significance. Last evaluated: 2022-07-27. Review status: criteria provided, single submitter. Criteria: Invitae Variant Classification Sherloc (09022015). Collection method: clinical testing. Allele origin: germline.
Comment: Algorithms developed to predict the effect of missense changes on protein structure and function are either unavailable or do not agree on the potential impact of this missense change (SIFT: "Deleterious"; PolyPhen-2: "Benign"; Align-GVGD: "Class C0"). This sequence change replaces isoleucine, which is neutral and non-polar, with valine, which is neutral and non-polar, at codon 406 of the FZD4 protein (p.Ile406Val). This variant is not present in population databases (gnomAD no frequency). This variant has not been reported in the literature in individuals affected with FZD4-related conditions. In summary, the available evidence is currently insufficient to determine the role of this variant in disease. Therefore, it has been classified as a Variant of Uncertain Significance.

NM_012193.4(FZD4):c.1216A>G (p.Ile406Val)

Genes: FZD4 (frizzled class receptor 4; minus strand), PRSS23 (serine protease 23; plus strand). Cytogenetic location: 11q14.2.
Variant type: single nucleotide variant.
Coding change: c.1216A>G on transcript NM_012193.4 (MANE Select); coding-DNA position 1216, A replaced by G.
Protein change: p.Ile406Val; replaces isoleucine 406 with valine.
Molecular consequence: missense variant. On other transcripts: non-coding transcript variant (2).
Genome position (GRCh38, 1-based): chr11:86,951,540, T>C on the plus strand (A>G on the coding strand, the complement: FZD4 is on the minus strand). VCF-style: chr11-86951540-T-C. GRCh37 (hg19) VCF-style: chr11-86662582-T-C.
Other names: short protein forms I406V.
Identifiers: ClinVar variation 1713994 (VCV001713994.5), dbSNP rs2495866252, ClinGen allele CA382012476.